The following is an entry in ClinVar:

NM_000465.4(BARD1):c.153G>A (p.Ser51=)

Gene: BARD1 (BRCA1 associated RING domain 1; minus strand). Cytogenetic location: 2q35.
Variant type: single nucleotide variant.
Coding change: c.153G>A on transcript NM_000465.4 (MANE Select); coding-DNA position 153, G replaced by A.
Protein change: p.Ser51=; no amino-acid change (serine 51 retained).
Molecular consequence: synonymous variant. On other transcripts: non-coding transcript variant (3).
Genome position (GRCh38, 1-based): chr2:214,809,417, C>T on the plus strand (G>A on the coding strand, the complement: BARD1 is on the minus strand). VCF-style: chr2-214809417-C-T. GRCh37 (hg19) VCF-style: chr2-215674141-C-T.
Other names: c.153G>A, p.Ser51= (NM_001282543.2, NM_001282545.2, NM_001282548.2 and 1 more transcripts).
Identifiers: ClinVar variation 1656030 (VCV001656030.13), dbSNP rs761103724, ClinGen allele CA2090509.

ClinVar aggregate classification (germline): Conflicting classifications of pathogenicity. Review status: criteria provided, conflicting classifications (1 of 4 stars). 5 submissions from 5 submitters: Uncertain significance (1); Benign (1); Likely benign (3). Last evaluated 2025-01-19.

Conditions:
Hereditary cancer-predisposing syndrome. Also called: Neoplastic Syndromes, Hereditary; Hereditary Cancer Syndrome; Hereditary neoplastic syndrome; Tumor predisposition. Identifiers: Orphanet 140162, MedGen C0027672, MeSH D009386, MONDO:0015356.
Familial cancer of breast. Also called: hereditary breast carcinoma; Hereditary breast cancer; BREAST CANCER, FAMILIAL. Identifiers: Orphanet 227535, MedGen C0346153, MONDO:0016419, OMIM 114480. Disease mechanism: loss of function.

Allele frequency attached by ClinVar (database versions not stated): gnomAD exomes below 0.00001; ExAC 0.00001.
gnomAD v4.1: 6 of 1,612,466 alleles (0.00037%); highest among the groups gnomAD compares: South Asian, 0.0033%; no homozygotes.

Submissions (5):

Color Diagnostics, LLC DBA Color Health
Classification: Uncertain significance for Hereditary cancer-predisposing syndrome. Last evaluated: 2025-01-19. Review status: criteria provided, single submitter. Criteria: ACMG Guidelines, 2015. Collection method: clinical testing. Allele origin: germline.
Comment: This variant is located in the BARD1 protein. To our knowledge, functional studies have not been reported for this variant. This variant has not been reported in individuals affected with BARD1-related disorders in the literature. This variant has been identified in 1/242526 chromosomes in the general population by the Genome Aggregation Database (gnomAD). The available evidence is insufficient to determine the role of this variant in disease conclusively. Therefore, this variant is classified as a Variant of Uncertain Significance.

Ambry Genetics
Classification: Likely benign for Hereditary cancer-predisposing syndrome. Last evaluated: 2025-01-15. Review status: criteria provided, single submitter. Criteria: Ambry Variant Classification Scheme 2023. Collection method: clinical testing. Allele origin: germline.

Myriad Genetics, Inc.
Classification: Benign for Familial cancer of breast. Last evaluated: 2024-07-18. Review status: criteria provided, single submitter. Criteria: Myriad Autosomal Dominant, Autosomal Recessive and X-Linked Classification Criteria (2023). Collection method: clinical testing. Allele origin: unknown.
Comment: This variant is considered benign. This variant is a silent/synonymous amino acid change and it is not expected to impact splicing.

Labcorp Genetics (formerly Invitae), Labcorp
Classification: Likely benign for Familial cancer of breast. Last evaluated: 2023-09-19. Review status: criteria provided, single submitter. Criteria: Invitae Variant Classification Sherloc (09022015). Collection method: clinical testing. Allele origin: germline.

Sema4
Classification: Likely benign for Hereditary cancer-predisposing syndrome. Last evaluated: 2021-09-09. Review status: criteria provided, single submitter. Criteria: Sema4 Curation Guidelines. Collection method: curation. Allele origin: germline.